The following is an entry in ClinVar:

NM_001165963.4(SCN1A):c.3G>A (p.Met1Ile)

Gene: SCN1A (sodium voltage-gated channel alpha subunit 1; minus strand). Cytogenetic location: 2q24.3.
Variant type: single nucleotide variant.
Coding change: c.3G>A on transcript NM_001165963.4 (MANE Select); coding-DNA position 3, G replaced by A.
Protein change: p.Met1Ile; changes the start codon (methionine 1).
Molecular consequence: missense variant, initiator codon variant. On other transcripts: 5 prime UTR variant (1), non-coding transcript variant (1).
Genome position (GRCh38, 1-based): chr2:166,073,619, C>T on the plus strand (G>A on the coding strand, the complement: SCN1A is on the minus strand). VCF-style: chr2-166073619-C-T. GRCh37 (hg19) VCF-style: chr2-166930129-C-T.
Other names: c.3G>A, p.Met1Ile (NM_001165964.3, NM_001202435.3, NM_001353948.2 and 10 more transcripts); c.-2423G>A (NM_001353961.2); short protein forms M1I.
Identifiers: ClinVar variation 530490 (VCV000530490.12), dbSNP rs1553561016, ClinGen allele CA349243517.

ClinVar aggregate classification (germline): Pathogenic (1 of 4 stars; one submission).

Conditions:
Early-infantile DEE. Also called: Early infantile epileptic encephalopathy; Early infantile epileptic encephalopathy with suppression bursts; Ohtahara syndrome. Identifiers: Orphanet 1934, MedGen C0393706, MONDO:0800491.

Submission:

Labcorp Genetics (formerly Invitae), Labcorp
Classification: Pathogenic for Early-infantile DEE. Last evaluated: 2019-10-26. Review status: criteria provided, single submitter. Criteria: Invitae Variant Classification Sherloc (09022015). Collection method: clinical testing. Allele origin: germline.
Comment: This sequence change affects the initiator methionine of the SCN1A mRNA. The next in-frame methionine is located at codon 72. This variant is not present in population databases (ExAC no frequency). Different variants (c.1A>T and c.2T>C) giving rise to a loss of the initiator codon, have been reported in individuals affected with Dravet syndrome (PMID: 21248271, 18930999). For these reasons, this variant has been classified as Pathogenic.

Literature cited by the submitters: PubMed 21248271; PubMed 18930999.